The following is an entry in ClinVar:

NM_000094.4(COL7A1):c.2282A>T (p.Asp761Val)

Gene: COL7A1 (collagen type VII alpha 1 chain; minus strand). Cytogenetic location: 3p21.31.
Variant type: single nucleotide variant.
Coding change: c.2282A>T on transcript NM_000094.4 (MANE Select); coding-DNA position 2282, A replaced by T.
Protein change: p.Asp761Val; replaces aspartic acid 761 with valine.
Molecular consequence: missense variant.
Genome position (GRCh38, 1-based): chr3:48,589,359, T>A on the plus strand (A>T on the coding strand, the complement: COL7A1 is on the minus strand). VCF-style: chr3-48589359-T-A. GRCh37 (hg19) VCF-style: chr3-48626792-T-A.
Other names: short protein forms D761V.
Identifiers: ClinVar variation 2767490 (VCV002767490.4), dbSNP rs2531275264, ClinGen allele CA352723836.

ClinVar aggregate classification (germline): Uncertain significance. Review status: criteria provided, single submitter (1 of 4 stars). 2 submissions from 2 submitters: Uncertain significance (1). 1 of the submissions does not count toward it. Last evaluated 2023-11-11.

Conditions:
Epidermolysis bullosa dystrophica. Also called: Dystrophic epidermolysis bullosa; Dystrophic epidermolysis bullosa, Hallopeau-Siemens type (formerly). Identifiers: Orphanet 303, MedGen C0079294, MONDO:0006543.

Submissions (2):

Labcorp Genetics (formerly Invitae), Labcorp
Classification: Uncertain significance. Last evaluated: 2023-11-11. Review status: criteria provided, single submitter. Criteria: Invitae Variant Classification Sherloc (09022015). Collection method: clinical testing. Allele origin: germline.
Comment: This sequence change replaces aspartic acid, which is acidic and polar, with valine, which is neutral and non-polar, at codon 761 of the COL7A1 protein (p.Asp761Val). This variant is not present in population databases (gnomAD no frequency). This variant has not been reported in the literature in individuals affected with COL7A1-related conditions. Advanced modeling of protein sequence and biophysical properties (such as structural, functional, and spatial information, amino acid conservation, physicochemical variation, residue mobility, and thermodynamic stability) performed at Invitae indicates that this missense variant is not expected to disrupt COL7A1 protein function with a negative predictive value of 95%. In summary, the available evidence is currently insufficient to determine the role of this variant in disease. Therefore, it has been classified as a Variant of Uncertain Significance.

Natera, Inc.
Classification: Uncertain significance for Dystrophic epidermolysis bullosa. Last evaluated: 2025-05-08. Review status: no assertion criteria provided. Collection method: clinical testing. Allele origin: germline. Not counted in ClinVar's aggregate classification.